The following is an entry in ClinVar:

ClinVar aggregate classification (germline): Uncertain significance. Review status: criteria provided, multiple submitters, no conflicts (2 of 4 stars). 2 submissions from 2 submitters: Uncertain significance (2). Last evaluated 2026-01-14.

Conditions:
Hereditary cancer-predisposing syndrome. Also called: Hereditary neoplastic syndrome; Neoplastic Syndromes, Hereditary; Tumor predisposition; Hereditary Cancer Syndrome. Identifiers: Orphanet 140162, MedGen C0027672, MeSH D009386, MONDO:0015356.
Neuroblastoma, susceptibility to, 3. Also called: ALK-Related Neuroblastic Tumor Susceptibility. Identifiers: Orphanet 635, MedGen C2751681, MONDO:0013083, OMIM 613014.

Allele frequency attached by ClinVar (database versions not stated): gnomAD exomes below 0.00001 and 0.00001; ExAC 0.00001; gnomAD 0.00001 and 0.00002; TOPMed 0.00001.
gnomAD v4.1: 3 of 1,613,880 alleles (0.00019%); highest among the groups gnomAD compares: African/African-American, 0.0027%; no homozygotes.

Submissions (2):

Labcorp Genetics (formerly Invitae), Labcorp
Classification: Uncertain significance for Neuroblastoma, susceptibility to, 3. Last evaluated: 2026-01-14. Review status: criteria provided, single submitter. Criteria: Invitae Variant Classification Sherloc (09022015). Collection method: clinical testing. Allele origin: germline.
Comment: This sequence change replaces histidine, which is basic and polar, with tyrosine, which is neutral and polar, at codon 694 of the ALK protein (p.His694Tyr). This variant is present in population databases (rs772087086, gnomAD 0.01%). This variant has not been reported in the literature in individuals affected with ALK-related conditions. ClinVar contains an entry for this variant (Variation ID: 1047061). An algorithm developed to predict the effect of missense changes on protein structure and function (PolyPhen-2) suggests that this variant is likely to be tolerated. In summary, the available evidence is currently insufficient to determine the role of this variant in disease. Therefore, it has been classified as a Variant of Uncertain Significance.

Ambry Genetics
Classification: Uncertain significance for Hereditary cancer-predisposing syndrome. Last evaluated: 2024-06-14. Review status: criteria provided, single submitter. Criteria: Ambry Variant Classification Scheme 2023. Collection method: clinical testing. Allele origin: germline.
Comment: The p.H694Y variant (also known as c.2080C>T), located in coding exon 12 of the ALK gene, results from a C to T substitution at nucleotide position 2080. The histidine at codon 694 is replaced by tyrosine, an amino acid with similar properties. This amino acid position is conserved. In addition, this alteration is predicted to be tolerated by in silico analysis. Since supporting evidence is limited at this time, the clinical significance of this alteration remains unclear.

NM_004304.5(ALK):c.2080C>T (p.His694Tyr)

Gene: ALK (ALK receptor tyrosine kinase; minus strand). Cytogenetic location: 2p23.2.
Variant type: single nucleotide variant.
Coding change: c.2080C>T on transcript NM_004304.5 (MANE Select); coding-DNA position 2080, C replaced by T.
Protein change: p.His694Tyr; replaces histidine 694 with tyrosine.
Molecular consequence: missense variant.
Genome position (GRCh38, 1-based): chr2:29,251,229, G>A on the plus strand (C>T on the coding strand, the complement: ALK is on the minus strand). VCF-style: chr2-29251229-G-A. GRCh37 (hg19) VCF-style: chr2-29474095-G-A.
Other names: short protein forms H694Y.
Identifiers: ClinVar variation 1047061 (VCV001047061.10), dbSNP rs772087086, ClinGen allele CA1594439.